The following is an entry in ClinVar:

ClinVar aggregate classification (germline): Uncertain significance (1 of 4 stars; one submission).

Conditions:
Progressive myoclonic epilepsy type 7. Identifiers: Orphanet 435438, MedGen C4015420, MONDO:0014521, OMIM 616187.

Submission:

Labcorp Genetics (formerly Invitae), Labcorp
Classification: Uncertain significance for Progressive myoclonic epilepsy type 7. Last evaluated: 2020-09-10. Review status: criteria provided, single submitter. Criteria: Invitae Variant Classification Sherloc (09022015). Collection method: clinical testing. Allele origin: germline.
Comment: This variant has not been reported in the literature in individuals with KCNC1-related conditions. In summary, the available evidence is currently insufficient to determine the role of this variant in disease. Therefore, it has been classified as a Variant of Uncertain Significance. This variant results in a copy number gain of the genomic region encompassing the full coding sequence of the KCNC1 gene. The boundaries of this event are unknown as they extend beyond the assayed region for this gene and therefore may encompass additional genes. As the precise location of this event is unknown, it may be in tandem or it may be located elsewhere in the genome.

NC_000011.9:g.(?_17552691)_(19213995_?)dup

Genes: CSRP3 (cysteine and glycine rich protein 3; minus strand), GTF2H1 (general transcription factor IIH subunit 1; plus strand), HPS5 (HPS5 biogenesis of lysosomal organelles complex 2 subunit 2; minus strand), IGSF22 (immunoglobulin superfamily member 22; minus strand), KCNC1 (potassium voltage-gated channel subfamily C member 1; plus strand) and 23 more. Cytogenetic location: 11p15.1.
Variant type: Duplication.
Identifiers: ClinVar variation 999235 (VCV000999235.7).